The following is an entry in ClinVar:

ClinVar aggregate classification (germline): Uncertain significance (1 of 4 stars; one submission).

Submission:

Ambry Genetics
Classification: Uncertain significance. Last evaluated: 2026-08-16. Review status: criteria provided, single submitter. Criteria: Ambry Variant Classification Scheme 2023. Collection method: clinical testing. Allele origin: germline.
Comment: The p.S887C variant (also known as c.2660C>G), located in coding exon 13 of the GEN1 gene, results from a C to G substitution at nucleotide position 2660. The serine at codon 887 is replaced by cysteine, an amino acid with dissimilar properties. This amino acid position is conserved. In addition, this alteration is predicted to be tolerated by in silico analysis. Based on the available evidence, the clinical significance of this variant remains unclear.

NM_001130009.3(GEN1):c.2660C>G (p.Ser887Cys)

Gene: GEN1 (GEN1 structure-specific endonuclease; plus strand). Cytogenetic location: 2p24.2.
Variant type: single nucleotide variant.
Coding change: c.2660C>G on transcript NM_001130009.3 (MANE Select); coding-DNA position 2660, C replaced by G.
Protein change: p.Ser887Cys; replaces serine 887 with cysteine.
Molecular consequence: missense variant.
Genome position (GRCh38, 1-based): chr2:17,781,872, C>G. VCF-style: chr2-17781872-C-G. GRCh37 (hg19) VCF-style: chr2-17963139-C-G.
Other names: c.2660C>G, p.Ser887Cys (NM_182625.5); short protein forms S887C.
Identifiers: ClinVar variation 5022336 (VCV005022336.1).